The following is an entry in ClinVar:

NM_032608.7(MYO18B):c.7160T>C (p.Leu2387Pro)

Gene: MYO18B (myosin XVIIIB; plus strand). Cytogenetic location: 22q12.1.
Variant type: single nucleotide variant.
Coding change: c.7160T>C on transcript NM_032608.7 (MANE Select); coding-DNA position 7160, T replaced by C.
Protein change: p.Leu2387Pro; replaces leucine 2387 with proline.
Molecular consequence: missense variant.
Genome position (GRCh38, 1-based): chr22:26,027,134, T>C. VCF-style: chr22-26027134-T-C. GRCh37 (hg19) VCF-style: chr22-26423100-T-C.
Other names: c.7163T>C, p.Leu2388Pro (NM_001318245.2); short protein forms L2387P, L2388P.
Identifiers: ClinVar variation 1359892 (VCV001359892.8), dbSNP rs2147021998, ClinGen allele CA411011849.
Genomic context (GRCh38, chr22:26,027,134, plus strand): 5'-CTCCGACCACACCCAGGGACATGCTGTTGTCGCCCACACTGCGTCCTCGGAGGCGGTGTC[T>C]GGAGTCCTCTGTGGACGATGCGGGCTGTCCAGACCTTGGAAAGGAGCCGCTTGTTTTCCA-3'
Protein context (NP_115997.5, residues 2377-2397): SPTLRPRRRC[Leu2387Pro]ESSVDDAGCP

ClinVar aggregate classification (germline): Uncertain significance (1 of 4 stars; one submission).

Submission:

Labcorp Genetics (formerly Invitae), Labcorp
Classification: Uncertain significance. Last evaluated: 2021-06-08. Review status: criteria provided, single submitter. Criteria: Invitae Variant Classification Sherloc (09022015). Collection method: clinical testing. Allele origin: germline.
Comment: This sequence change replaces leucine with proline at codon 2387 of the MYO18B protein (p.Leu2387Pro). The leucine residue is moderately conserved and there is a moderate physicochemical difference between leucine and proline. This variant is not present in population databases (ExAC no frequency). This variant has not been reported in the literature in individuals with MYO18B-related conditions. Algorithms developed to predict the effect of missense changes on protein structure and function are either unavailable or do not agree on the potential impact of this missense change (SIFT: "Not Available"; PolyPhen-2: "Probably Damaging"; Align-GVGD: "Not Available"). In summary, the available evidence is currently insufficient to determine the role of this variant in disease. Therefore, it has been classified as a Variant of Uncertain Significance.